The following is an entry in ClinVar:

NM_007103.4(NDUFV1):c.142C>A (p.Arg48Ser)

Gene: NDUFV1 (NADH:ubiquinone oxidoreductase core subunit V1; plus strand). Cytogenetic location: 11q13.2.
Variant type: single nucleotide variant.
Coding change: c.142C>A on transcript NM_007103.4 (MANE Select); coding-DNA position 142, C replaced by A.
Protein change: p.Arg48Ser; replaces arginine 48 with serine.
Molecular consequence: missense variant.
Genome position (GRCh38, 1-based): chr11:67,608,465, C>A. VCF-style: chr11-67608465-C-A. GRCh37 (hg19) VCF-style: chr11-67375936-C-A.
Other names: c.115C>A, p.Arg39Ser (NM_001166102.2); c.142C>A (NM_007103.3); short protein forms R48S, R39S.
Identifiers: ClinVar variation 1474579 (VCV001474579.4), dbSNP rs11540005, ClinGen allele CA6143086.

ClinVar aggregate classification (germline): Uncertain significance. Review status: criteria provided, multiple submitters, no conflicts (2 of 4 stars). 2 submissions from 2 submitters: Uncertain significance (2). Last evaluated 2023-08-31.

Submissions (2):

GeneDx
Classification: Uncertain significance. Last evaluated: 2023-08-31. Review status: criteria provided, single submitter. Criteria: GeneDx Variant Classification Process June 2021. Collection method: clinical testing. Allele origin: germline. Affected: yes.
Comment: Not observed at significant frequency in large population cohorts (gnomAD); In silico analysis supports that this missense variant has a deleterious effect on protein structure/function; Has not been previously published as pathogenic or benign to our knowledge

Labcorp Genetics (formerly Invitae), Labcorp
Classification: Uncertain significance. Last evaluated: 2022-01-07. Review status: criteria provided, single submitter. Criteria: Invitae Variant Classification Sherloc (09022015). Collection method: clinical testing. Allele origin: germline.
Comment: This sequence change replaces arginine, which is basic and polar, with serine, which is neutral and polar, at codon 48 of the NDUFV1 protein (p.Arg48Ser). This variant is present in population databases (rs11540005, gnomAD 0.003%). This variant has not been reported in the literature in individuals affected with NDUFV1-related conditions. Advanced modeling of protein sequence and biophysical properties (such as structural, functional, and spatial information, amino acid conservation, physicochemical variation, residue mobility, and thermodynamic stability) performed at Invitae indicates that this missense variant is expected to disrupt NDUFV1 protein function. Algorithms developed to predict the effect of sequence changes on RNA splicing suggest that this variant may create or strengthen a splice site. In summary, the available evidence is currently insufficient to determine the role of this variant in disease. Therefore, it has been classified as a Variant of Uncertain Significance.